The following is an entry in ClinVar:

ClinVar aggregate classification (germline): Uncertain significance. Review status: criteria provided, multiple submitters, no conflicts (2 of 4 stars). 2 submissions from 2 submitters: Uncertain significance (2). Last evaluated 2025-03-14.

Conditions:
Distal myopathy with posterior leg and anterior hand involvement. Also called: WILLIAMS DISTAL MYOPATHY. Identifiers: Orphanet 63273, MedGen C3279722, MONDO:0013550, OMIM 614065.
Myofibrillar myopathy 5. Also called: Filaminopathy (type); FILAMINOPATHY, AUTOSOMAL DOMINANT. Identifiers: Orphanet 171445, MedGen C1836050, MONDO:0012289, OMIM 609524.
Hypertrophic cardiomyopathy 26. Also called: Cardiomyopathy, familial hypertrophic, 26. Identifiers: Orphanet 75249, MedGen C4310749, MONDO:0014883, OMIM 617047.
Cardiovascular phenotype. Identifiers: MedGen CN230736.

Submissions (2):

Ambry Genetics
Classification: Uncertain significance for Cardiovascular phenotype. Last evaluated: 2025-03-14. Review status: criteria provided, single submitter. Criteria: Ambry Variant Classification Scheme 2023. Collection method: clinical testing. Allele origin: germline.
Comment: The p.E2605K variant (also known as c.7813G>A), located in coding exon 47 of the FLNC gene, results from a G to A substitution at nucleotide position 7813. The glutamic acid at codon 2605 is replaced by lysine, an amino acid with similar properties. This amino acid position is conserved. In addition, this alteration is predicted to be deleterious by in silico analysis. Based on the available evidence, the clinical significance of this variant remains unclear.

Labcorp Genetics (formerly Invitae), Labcorp
Classification: Uncertain significance for Distal myopathy with posterior leg and anterior hand involvement; Myofibrillar myopathy 5; Hypertrophic cardiomyopathy 26. Last evaluated: 2024-09-16. Review status: criteria provided, single submitter. Criteria: Invitae Variant Classification Sherloc (09022015). Collection method: clinical testing. Allele origin: germline.
Comment: This sequence change replaces glutamic acid, which is acidic and polar, with lysine, which is basic and polar, at codon 2605 of the FLNC protein (p.Glu2605Lys). This variant is not present in population databases (gnomAD no frequency). This variant has not been reported in the literature in individuals affected with FLNC-related conditions. ClinVar contains an entry for this variant (Variation ID: 539377). Invitae Evidence Modeling of protein sequence and biophysical properties (such as structural, functional, and spatial information, amino acid conservation, physicochemical variation, residue mobility, and thermodynamic stability) indicates that this missense variant is not expected to disrupt FLNC protein function with a negative predictive value of 95%. In summary, the available evidence is currently insufficient to determine the role of this variant in disease. Therefore, it has been classified as a Variant of Uncertain Significance.

NM_001458.5(FLNC):c.7813G>A (p.Glu2605Lys)

Genes: FLNC-AS1 (FLNC antisense RNA 1; minus strand), FLNC (filamin C; plus strand). Cytogenetic location: 7q32.1.
Variant type: single nucleotide variant.
Coding change: c.7813G>A on transcript NM_001458.5 (MANE Select); coding-DNA position 7813, G replaced by A.
Protein change: p.Glu2605Lys; replaces glutamic acid 2605 with lysine.
Molecular consequence: missense variant.
Genome position (GRCh38, 1-based): chr7:128,858,040, G>A. VCF-style: chr7-128858040-G-A. GRCh37 (hg19) VCF-style: chr7-128498094-G-A.
Other names: c.7714G>A, p.Glu2572Lys (NM_001127487.2); short protein forms E2605K, E2572K.
Identifiers: ClinVar variation 539377 (VCV000539377.10), dbSNP rs1480530077, ClinGen allele CA369220064.